The following is an entry in ClinVar:

NM_001002295.2(GATA3):c.*93C>T

Gene: GATA3 (GATA binding protein 3; plus strand). Cytogenetic location: 10p14.
Variant type: single nucleotide variant.
Coding change: c.*93C>T on transcript NM_001002295.2 (MANE Select); 93 bases downstream of the stop codon, C replaced by T.
Molecular consequence: 3 prime UTR variant.
Genome position (GRCh38, 1-based): chr10:8,074,116, C>T. VCF-style: chr10-8074116-C-T. GRCh37 (hg19) VCF-style: chr10-8116079-C-T.
Other names: c.*93C>T (NM_002051.3).
Identifiers: ClinVar variation 301131 (VCV000301131.7), dbSNP rs2229360, ClinGen allele CA10636167.

ClinVar aggregate classification (germline): Benign. Review status: criteria provided, multiple submitters, no conflicts (2 of 4 stars). 3 submissions from 3 submitters: Benign (3). Last evaluated 2018-07-05.

Conditions:
Hypoparathyroidism, deafness, renal disease syndrome (HDRS). Also called: HYPOPARATHYROIDISM, SENSORINEURAL DEAFNESS, AND RENAL DYSPLASIA SYNDROME. Identifiers: Orphanet 2237, MedGen C1840333, MONDO:0007797, OMIM 146255.

Allele frequency attached by ClinVar (database versions not stated): TOPMed 0.02805; gnomAD 0.03683; 1000 Genomes Project 30x 0.06465; 1000 Genomes Project 0.07149.
gnomAD v4.1: 33,675 of 1,408,806 alleles (2.4%); highest among the groups gnomAD compares: East Asian, 27%; 2,126 homozygotes.

Submissions (3):

GeneDx
Classification: Benign. Last evaluated: 2018-07-05. Review status: criteria provided, single submitter. Criteria: GeneDx Variant Classification Process June 2021. Collection method: clinical testing. Allele origin: germline. Affected: yes.

Illumina Laboratory Services, Illumina
Classification: Benign for Hypoparathyroidism, deafness, renal disease syndrome. Last evaluated: 2018-01-13. Review status: criteria provided, single submitter. Criteria: ICSL Variant Classification Criteria 13 December 2019. Collection method: clinical testing. Allele origin: germline.
Comment: This variant was observed in the ICSL laboratory as part of a predisposition screen in an ostensibly healthy population. It had not been previously curated by ICSL or reported in the Human Gene Mutation Database (HGMD: prior to June 1st, 2018), and was therefore a candidate for classification through an automated scoring system. Utilizing variant allele frequency, disease prevalence and penetrance estimates, and inheritance mode, an automated score was calculated to assess if this variant is too frequent to cause the disease. Based on the score and internal cut-off values, a variant classified as benign is not then subjected to further curation. The score for this variant resulted in a classification of benign for this disease.

Breakthrough Genomics
Classification: Benign. Review status: criteria provided, single submitter. Criteria: ACMG Guidelines, 2015. Collection method: not provided. Allele origin: germline. Inheritance: Autosomal dominant inheritance. Affected: yes.